The following is an entry in ClinVar:

ClinVar aggregate classification (germline): Benign. Review status: reviewed by expert panel (3 of 4 stars). 9 submissions from 9 submitters: Benign (1). 8 of the submissions do not count toward it. Last evaluated 2015-01-12.

Conditions:
Hereditary cancer-predisposing syndrome. Also called: Neoplastic Syndromes, Hereditary; Hereditary Cancer Syndrome; Tumor predisposition; Hereditary neoplastic syndrome. Identifiers: Orphanet 140162, MedGen C0027672, MeSH D009386, MONDO:0015356.
Breast-ovarian cancer, familial, susceptibility to, 2 (BROVCA2). Also called: BRCA2 Hereditary Breast and Ovarian Cancer. Identifiers: Orphanet 145, MedGen C2675520, MONDO:0012933, OMIM 612555. Disease mechanism: loss of function.

Allele frequency attached by ClinVar (database versions not stated): ESP Exome Variant Server 0.03056; gnomAD 0.03694 and 0.04091; gnomAD exomes 0.04151 and 0.05058; TOPMed 0.04224; ExAC 0.04934; 1000 Genomes Project 0.07348; 1000 Genomes Project 30x 0.07370.
gnomAD v4.1: 64,452 of 1,549,260 alleles (4.2%); highest among the groups gnomAD compares: East Asian, 12%; 2,057 homozygotes.

Submissions (9):

Evidence-based Network for the Interpretation of Germline Mutant Alleles (ENIGMA)
Classification: Benign for Breast-ovarian cancer, familial 2. Last evaluated: 2015-01-12. Review status: reviewed by expert panel. Criteria: ENIGMA BRCA1/2 Classification Criteria (2015). Collection method: curation. Allele origin: germline.
Comment: Class 1 not pathogenic based on frequency >1% in an outbred sampleset. Frequency 0.1031 (Asian), 0.01423 (African), 0.03694 (European), derived from 1000 genomes (2012-04-30).

GeneKor MSA
Classification: Benign. Last evaluated: 2017-11-01. Review status: criteria provided, single submitter. Criteria: ACMG Guidelines, 2015. Collection method: clinical testing. Allele origin: germline. Affected: yes. Not counted in ClinVar's aggregate classification.

Clinical Genetics DNA and cytogenetics Diagnostics Lab, Erasmus MC, Erasmus Medical Center
Classification: Benign for Breast-ovarian cancer, familial, susceptibility to, 2. Last evaluated: 2015-09-21. Review status: criteria provided, single submitter. Criteria: ACGS Guidelines, 2013. Collection method: clinical testing. Allele origin: germline. Affected: yes. Study: VKGL Data-share Consensus. Not counted in ClinVar's aggregate classification.

Color Diagnostics, LLC DBA Color Health
Classification: Benign for Hereditary cancer-predisposing syndrome. Last evaluated: 2015-03-07. Review status: criteria provided, single submitter. Criteria: ACMG Guidelines, 2015. Collection method: clinical testing. Allele origin: germline. Not counted in ClinVar's aggregate classification.

GeneDx
Classification: Benign. Last evaluated: 2015-03-03. Review status: criteria provided, single submitter. Criteria: GeneDx Variant Classification Process June 2021. Collection method: clinical testing. Allele origin: germline. Affected: yes. Not counted in ClinVar's aggregate classification.

Ambry Genetics
Classification: Benign for Hereditary cancer-predisposing syndrome. Last evaluated: 2014-11-19. Review status: criteria provided, single submitter. Criteria: Ambry Variant Classification Scheme 2023. Collection method: clinical testing. Allele origin: germline. Not counted in ClinVar's aggregate classification.

Genome Diagnostics Laboratory, University Medical Center Utrecht
Classification: Benign for Breast-ovarian cancer, familial, susceptibility to, 2. Last evaluated: 2014-10-09. Review status: criteria provided, single submitter. Criteria: ACGS Guidelines, 2013. Collection method: clinical testing. Allele origin: germline. Affected: yes. Study: VKGL Data-share Consensus. Not counted in ClinVar's aggregate classification.

Breakthrough Genomics
Classification: Benign. Review status: criteria provided, single submitter. Criteria: ACMG Guidelines, 2015. Collection method: not provided. Allele origin: germline. Inheritance: Autosomal recessive inheritance. Affected: yes. Not counted in ClinVar's aggregate classification.

Clinical Genetics Laboratory, Department of Pathology, Netherlands Cancer Institute
Classification: Benign. Review status: no assertion criteria provided. Collection method: clinical testing. Allele origin: germline. Affected: yes. Study: VKGL Data-share Consensus. Not counted in ClinVar's aggregate classification.

NM_000059.4(BRCA2):c.1910-51G>T

Gene: BRCA2 (BRCA2 DNA repair associated; plus strand). Cytogenetic location: 13q13.1.
Variant type: single nucleotide variant.
Coding change: c.1910-51G>T on transcript NM_000059.4 (MANE Select); 51 bases into the intron before coding-DNA position 1910, G replaced by T.
Molecular consequence: intron variant.
Genome position (GRCh38, 1-based): chr13:32,336,214, G>T. VCF-style: chr13-32336214-G-T. GRCh37 (hg19) VCF-style: chr13-32910351-G-T.
Other names: IVS 10-51G>T.
Identifiers: ClinVar variation 209688 (VCV000209688.10), dbSNP rs11571651, ClinGen allele CA276657.